The following is an entry in ClinVar:

NM_004937.3(CTNS):c.893G>A (p.Ser298Asn)

Gene: CTNS (cystinosin, lysosomal cystine transporter; plus strand). Cytogenetic location: 17p13.2.
Variant type: single nucleotide variant.
Coding change: c.893G>A on transcript NM_004937.3 (MANE Select); coding-DNA position 893, G replaced by A.
Protein change: p.Ser298Asn; replaces serine 298 with asparagine.
Molecular consequence: missense variant.
Genome position (GRCh38, 1-based): chr17:3,659,898, G>A. VCF-style: chr17-3659898-G-A. GRCh37 (hg19) VCF-style: chr17-3563192-G-A.
Other names: c.893G>A, p.Ser298Asn (NM_001031681.3, NM_001374492.1); c.452G>A, p.Ser151Asn (NM_001374493.1, NM_001374494.1, NM_001374495.1 and 1 more transcripts); short protein forms S151N, S298N.
Identifiers: ClinVar variation 3769314 (VCV003769314.2).

ClinVar aggregate classification (germline): Uncertain significance (1 of 4 stars; one submission).

gnomAD v4.1: 4 of 1,613,992 alleles (0.00025%); highest among the groups gnomAD compares: Non-Finnish European, 0.00034%; no homozygotes.

Submission:

Women's Health and Genetics/Laboratory Corporation of America, LabCorp
Classification: Uncertain significance. Last evaluated: 2025-01-02. Review status: criteria provided, single submitter. Criteria: LabCorp Variant Classification Summary - May 2015. Collection method: clinical testing. Allele origin: germline.
Comment: Variant summary: CTNS c.893G>A (p.Ser298Asn) results in a conservative amino acid change in the encoded protein sequence. Four of five in-silico tools predict a damaging effect of the variant on protein function. The variant allele was found at a frequency of 4e-06 in 251034 control chromosomes. The available data on variant occurrences in the general population are insufficient to allow any conclusion about variant significance. c.893G>A has been reported in the literature in a compound heteroygous individual affected with Nephropathic cystinosis (Shotelersuk_1998). These data do not allow any conclusion about variant significance. At least one publication reports experimental evidence evaluating an impact on protein function. The most pronounced variant effect results in about 77% of normal activity in an in vitro cellular assay (Kalatzis_2004). The following publications have been ascertained in the context of this evaluation (PMID: 15128704, 9792862). No submitters have cited clinical-significance assessments for this variant to ClinVar. Based on the evidence outlined above, the variant was classified as uncertain significance.

Literature cited by the submitters: PubMed 9792862; PubMed 15128704.